The following is an entry in ClinVar:

NM_015346.4(ZFYVE26):c.886+1G>C

Gene: ZFYVE26 (zinc finger FYVE-type containing 26; minus strand). Cytogenetic location: 14q24.1.
Variant type: single nucleotide variant.
Coding change: c.886+1G>C on transcript NM_015346.4 (MANE Select); the canonical splice donor site of the intron after coding-DNA position 886, G replaced by C.
Molecular consequence: splice donor variant.
Genome position (GRCh38, 1-based): chr14:67,807,397, C>G on the plus strand (G>C on the coding strand, the complement: ZFYVE26 is on the minus strand). VCF-style: chr14-67807397-C-G. GRCh37 (hg19) VCF-style: chr14-68274114-C-G.
Identifiers: ClinVar variation 1027980 (VCV001027980.1), dbSNP rs752618765, ClinGen allele CA390160503.

ClinVar aggregate classification (germline): Pathogenic (1 of 4 stars; one submission).

Conditions:
Hereditary spastic paraplegia 15 (SPG15). Also called: SPASTIC PARAPLEGIA 15, AUTOSOMAL RECESSIVE; KJELLIN SYNDROME; SPASTIC PARAPLEGIA AND RETINAL DEGENERATION. Identifiers: Orphanet 100996, MedGen C1849128, MONDO:0010044, OMIM 270700.

Submission:

Baylor Genetics
Classification: Pathogenic for Hereditary spastic paraplegia 15. Last evaluated: 2019-02-02. Review status: criteria provided, single submitter. Criteria: ACMG Guidelines, 2015. Collection method: clinical testing. Allele origin: maternal. Affected: yes.
Comment: This variant was determined to be pathogenic according to ACMG Guidelines, 2015 [PMID:25741868].